The following is an entry in ClinVar:

ClinVar aggregate classification (germline): Uncertain significance (1 of 4 stars; one submission).

Conditions:
Baller-Gerold syndrome (BGS). Also called: CRANIOSYNOSTOSIS WITH RADIAL DEFECTS. Identifiers: Orphanet 1225, MedGen C0265308, MONDO:0009039, OMIM 218600.

Submission:

Labcorp Genetics (formerly Invitae), Labcorp
Classification: Uncertain significance for Baller-Gerold syndrome. Last evaluated: 2023-04-28. Review status: criteria provided, single submitter. Criteria: Invitae Variant Classification Sherloc (09022015). Collection method: clinical testing. Allele origin: germline.
Comment: In summary, the available evidence is currently insufficient to determine the role of this variant in disease. Therefore, it has been classified as a Variant of Uncertain Significance. Advanced modeling of protein sequence and biophysical properties (such as structural, functional, and spatial information, amino acid conservation, physicochemical variation, residue mobility, and thermodynamic stability) performed at Invitae indicates that this missense variant is expected to disrupt RECQL4 protein function. This variant has not been reported in the literature in individuals affected with RECQL4-related conditions. This variant is not present in population databases (gnomAD no frequency). This sequence change replaces asparagine, which is neutral and polar, with tyrosine, which is neutral and polar, at codon 673 of the RECQL4 protein (p.Asn673Tyr).

NM_004260.4(RECQL4):c.2017A>T (p.Asn673Tyr)

Gene: RECQL4 (RecQ like helicase 4; minus strand). Cytogenetic location: 8q24.3.
Variant type: single nucleotide variant.
Coding change: c.2017A>T on transcript NM_004260.4 (MANE Select); coding-DNA position 2017, A replaced by T.
Protein change: p.Asn673Tyr; replaces asparagine 673 with tyrosine.
Molecular consequence: missense variant. On other transcripts: non-coding transcript variant (3).
Genome position (GRCh38, 1-based): chr8:144,513,969, T>A on the plus strand (A>T on the coding strand, the complement: RECQL4 is on the minus strand). VCF-style: chr8-144513969-T-A. GRCh37 (hg19) VCF-style: chr8-145739353-T-A.
Other names: c.1921A>T, p.Asn641Tyr (NM_001413017.1, NM_001413020.1); c.2017A>T, p.Asn673Tyr (NM_001413018.1, NM_001413019.1, NM_001413036.1); c.1888A>T, p.Asn630Tyr (NM_001413025.1); c.880A>T, p.Asn294Tyr (NM_001413027.1, NM_001413041.1, NM_001413030.1 and 1 more transcripts); c.946A>T, p.Asn316Tyr (NM_001413021.1, NM_001413022.1, NM_001413023.1 and 6 more transcripts); c.1666A>T, p.Asn556Tyr (NM_001413029.1); c.916A>T, p.Asn306Tyr (NM_001413042.1); c.550A>T, p.Asn184Tyr (NM_001413043.1); and 4 more; short protein forms N556Y, N630Y, N184Y, N250Y, N629Y, N641Y, N272Y, N306Y.
Identifiers: ClinVar variation 2860086 (VCV002860086.3), dbSNP rs1827771540, ClinGen allele CA372680303.
Genomic context (GRCh38, chr8:144,513,969, plus strand): 5'-CCAGAGCACACACACCCACCTGGTCTGTGTCCCTGTCCATGGACACGGAAAGGTGCAGGT[T>A]GGTGGGAACTGGGGCTGGCCCGTGGAGGTCAGGCTCTTCAGCCACAGCCAGGTGCTGTGC-3'
Protein context (NP_004251.4, residues 663-683): DLHGPAPVPT[Asn673Tyr]LHLSVSMDRD